The following is an entry in ClinVar:

ClinVar aggregate classification (germline): Pathogenic/Likely pathogenic. Review status: criteria provided, multiple submitters, no conflicts (2 of 4 stars). 8 submissions from 8 submitters: Pathogenic (1); Likely pathogenic (5). 2 of the submissions do not count toward it. Last evaluated 2024-03-08.

Conditions:
Usher syndrome. Also called: Usher's syndrome; Usher Syndromes. Identifiers: Orphanet 886, MedGen CN469326, MeSH D052245, MONDO:0019501. Disease mechanism: loss of function.
USH2A-related disorder. Also called: USH2A-related disorders; USH2A-related condition. Identifiers: MedGen CN239332.
Retinal dystrophy. Also called: Inherited retinal dystrophy. Identifiers: Orphanet 71862, MedGen C0854723, MeSH D058499, MONDO:0019118, HP:0000556.
Retinitis pigmentosa 39 (RP39). Identifiers: Orphanet 791, MedGen C3151138, MONDO:0013436, OMIM 613809.
Usher syndrome type 2A. Also called: RETINAL DISEASE IN USHER SYNDROME TYPE IIA, MODIFIER OF; USHER SYNDROME, TYPE IIA. Identifiers: Orphanet 231178, Orphanet 886, MedGen C1848634, MONDO:0010169, OMIM 276901.
Retinitis pigmentosa (RP). Identifiers: Orphanet 791, MedGen C0035334, MeSH D012174, MONDO:0019200, OMIM 268000. Inheritance: Autosomal dominant, autosomal recessive and X linked inheritance.

Allele frequency attached by ClinVar (database versions not stated): TOPMed below 0.00001; gnomAD exomes 0.00002.
gnomAD v4.1: 11 of 1,614,026 alleles (0.00068%); highest among the groups gnomAD compares: East Asian, 0.025%; no homozygotes.

Submissions (8):

Fulgent Genetics
Classification: Likely pathogenic for Usher syndrome type 2A; Retinitis pigmentosa 39. Last evaluated: 2024-03-08. Review status: criteria provided, single submitter. Criteria: ACMG Guidelines, 2015. Collection method: clinical testing. Allele origin: germline.

Women's Health and Genetics/Laboratory Corporation of America, LabCorp
Classification: Likely pathogenic for Usher syndrome. Last evaluated: 2024-03-07. Review status: criteria provided, single submitter. Criteria: LabCorp Variant Classification Summary - May 2015. Collection method: clinical testing. Allele origin: germline.
Comment: Variant summary: USH2A c.13847G>T (p.Gly4616Val) results in a non-conservative amino acid change located in the Fibronectin type III domain (IPR003961) of the encoded protein sequence. Five of five in-silico tools predict a damaging effect of the variant on protein function. The variant was absent in 250966 control chromosomes (gnomAD). c.13847G>T has been reported in the literature in individuals affected with retinitis pigmentosa (e.g. Oishi_2014, Koyanagi_2019, Inaba_2020, Numa_2020, Suga_2022). These data indicate that the variant is likely to be associated with disease. To our knowledge, no experimental evidence demonstrating an impact on protein function has been reported. The following publications have been ascertained in the context of this evaluation (PMID: 25324289, 33105608, 36284460, 31213501, 33247286). ClinVar contains an entry for this variant (Variation ID: 143174). Based on the evidence outlined above, the variant was classified as likely pathogenic.

Genome-Nilou Lab
Classification: Likely pathogenic for Retinitis pigmentosa 39. Last evaluated: 2023-11-04. Review status: criteria provided, single submitter. Criteria: ACMG Guidelines, 2015. Collection method: clinical testing. Allele origin: germline. Affected: no.

Labcorp Genetics (formerly Invitae), Labcorp
Classification: Pathogenic. Last evaluated: 2023-08-25. Review status: criteria provided, single submitter. Criteria: Invitae Variant Classification Sherloc (09022015). Collection method: clinical testing. Allele origin: germline.
Comment: Advanced modeling of protein sequence and biophysical properties (such as structural, functional, and spatial information, amino acid conservation, physicochemical variation, residue mobility, and thermodynamic stability) performed at Invitae indicates that this missense variant is expected to disrupt USH2A protein function. For these reasons, this variant has been classified as Pathogenic. This variant is not present in population databases (gnomAD no frequency). This sequence change replaces glycine, which is neutral and non-polar, with valine, which is neutral and non-polar, at codon 4616 of the USH2A protein (p.Gly4616Val). This missense change has been observed in individuals with autosomal recessive retinitis pigmentosa (PMID: 25324289, 33105608; Invitae). ClinVar contains an entry for this variant (Variation ID: 143174).

Baylor Genetics
Classification: Likely pathogenic for Retinitis pigmentosa 39. Last evaluated: 2022-02-03. Review status: criteria provided, single submitter. Criteria: ACMG Guidelines, 2015. Collection method: clinical testing. Allele origin: unknown.

Blueprint Genetics
Classification: Likely pathogenic for USH2A-related disorders. Last evaluated: 2018-11-07. Review status: criteria provided, single submitter. Criteria: ACMG Guidelines, 2015. Collection method: clinical testing. Allele origin: germline. Affected: yes. Observed: 1 variant allele.

Department of Ophthalmology and Visual Sciences Kyoto University
Classification: Likely pathogenic for Retinitis pigmentosa. Review status: no assertion criteria provided. Collection method: not provided. Allele origin: unknown. Not counted in ClinVar's aggregate classification.
ClinVar note: Converted during submission from probable-pathogenic to Likely pathogenic.

Dept Of Ophthalmology, Nagoya University
Classification: Uncertain significance for Retinal dystrophy. Last evaluated: 2023-10-01. Review status: flagged submission. Criteria: Submitter's publication. Collection method: research. Allele origin: germline. Affected: yes. Not counted in ClinVar's aggregate classification.
ClinVar note: Reason: Outlier claim with insufficient supporting evidence

Literature cited by the submitters: PubMed 33105608 (cited by Women's Health and Genetics/Laboratory Corporation of America, LabCorp and Labcorp Genetics (formerly Invitae), Labcorp); PubMed 25324289 (cited by Women's Health and Genetics/Laboratory Corporation of America, LabCorp and Labcorp Genetics (formerly Invitae), Labcorp); PubMed 31213501 (cited by Women's Health and Genetics/Laboratory Corporation of America, LabCorp); PubMed 33247286 (cited by Women's Health and Genetics/Laboratory Corporation of America, LabCorp); PubMed 36284460 (cited by Women's Health and Genetics/Laboratory Corporation of America, LabCorp).

NM_206933.4(USH2A):c.13847G>T (p.Gly4616Val)

Gene: USH2A (usherin; minus strand). Cytogenetic location: 1q41.
Variant type: single nucleotide variant.
Coding change: c.13847G>T on transcript NM_206933.4 (MANE Select); coding-DNA position 13847, G replaced by T.
Protein change: p.Gly4616Val; replaces glycine 4616 with valine.
Molecular consequence: missense variant.
Genome position (GRCh38, 1-based): chr1:215,671,258, C>A on the plus strand (G>T on the coding strand, the complement: USH2A is on the minus strand). VCF-style: chr1-215671258-C-A. GRCh37 (hg19) VCF-style: chr1-215844600-C-A.
Other names: short protein forms G4616V.
Identifiers: ClinVar variation 143174 (VCV000143174.15), dbSNP rs527236124, ClinGen allele CA270143.